The following is an entry in ClinVar:

ClinVar aggregate classification (germline): Uncertain significance. Review status: criteria provided, multiple submitters, no conflicts (2 of 4 stars). 3 submissions from 3 submitters: Uncertain significance (3). Last evaluated 2026-10-01.

Conditions:
RASopathy. Also called: rasopathies; Noonan spectrum disorder. Identifiers: Orphanet 536391, MedGen C5555857, MONDO:0021060.
Noonan syndrome 7 (NS7). Also called: BRAF-Related Noonan Syndrome. Identifiers: Orphanet 648, MedGen C3150970, MONDO:0013379, OMIM 613706.
Cardiovascular phenotype. Identifiers: MedGen CN230736.

Allele frequency attached by ClinVar (database versions not stated): TOPMed 0.00001.
gnomAD v4.1: 12 of 1,520,872 alleles (0.00079%); highest among the groups gnomAD compares: African/African-American, 0.0042%; no homozygotes.

Submissions (3):

St. Jude Molecular Pathology, St. Jude Children's Research Hospital
Classification: Uncertain significance for Noonan syndrome 7. Last evaluated: 2026-10-01. Review status: criteria provided, single submitter. Criteria: St. Jude Assertion Criteria 2020. Collection method: clinical testing. Allele origin: germline.
Comment: The BRAF c .80C>G p.(Ala27Gly) missense change has a maximum subpopulation frequency of 0.02% in gnomAD v2.1.1. The in silico tool REVEL predicts a benign effect on protein function, but to our knowledge this prediction has not been confirmed by functional studies. To our knowledge, this variant has not been reported in individuals with RASopathy conditions. In summary, the evidence currently available is insufficient to determine the clinical significance of this variant. It h as therefore been classified as of uncertain significance (VUS-Low).

Labcorp Genetics (formerly Invitae), Labcorp
Classification: Uncertain significance for RASopathy. Last evaluated: 2025-09-13. Review status: criteria provided, single submitter. Criteria: Invitae Variant Classification Sherloc (09022015). Collection method: clinical testing. Allele origin: germline.
Comment: This sequence change replaces alanine, which is neutral and non-polar, with glycine, which is neutral and non-polar, at codon 27 of the BRAF protein (p.Ala27Gly). This variant is present in population databases (no rsID available, gnomAD 0.02%). This variant has not been reported in the literature in individuals affected with BRAF-related conditions. ClinVar contains an entry for this variant (Variation ID: 1761990). Invitae Evidence Modeling of protein sequence and biophysical properties (such as structural, functional, and spatial information, amino acid conservation, physicochemical variation, residue mobility, and thermodynamic stability) indicates that this missense variant is not expected to disrupt BRAF protein function with a negative predictive value of 95%. In summary, the available evidence is currently insufficient to determine the role of this variant in disease. Therefore, it has been classified as a Variant of Uncertain Significance.

Ambry Genetics
Classification: Uncertain significance for Cardiovascular phenotype. Last evaluated: 2024-07-17. Review status: criteria provided, single submitter. Criteria: Ambry Variant Classification Scheme 2023. Collection method: clinical testing. Allele origin: germline.
Comment: The p.A27G variant (also known as c.80C>G), located in coding exon 1 of the BRAF gene, results from a C to G substitution at nucleotide position 80. The alanine at codon 27 is replaced by glycine, an amino acid with similar properties. This amino acid position is conserved. In addition, the in silico prediction for this alteration is inconclusive. Since supporting evidence is limited at this time, the clinical significance of this alteration remains unclear.

NM_004333.6(BRAF):c.80C>G (p.Ala27Gly)

Gene: BRAF (B-Raf proto-oncogene, serine/threonine kinase; minus strand). Cytogenetic location: 7q34.
Variant type: single nucleotide variant.
Coding change: c.80C>G on transcript NM_004333.6 (MANE Select); coding-DNA position 80, C replaced by G.
Protein change: p.Ala27Gly; replaces alanine 27 with glycine.
Molecular consequence: missense variant.
Genome position (GRCh38, 1-based): chr7:140,924,624, G>C on the plus strand (C>G on the coding strand, the complement: BRAF is on the minus strand). VCF-style: chr7-140924624-G-C. GRCh37 (hg19) VCF-style: chr7-140624424-G-C.
Other names: c.80C>G, p.Ala27Gly (NM_001354609.2, NM_001374244.1, NM_001374258.1 and 7 more transcripts); short protein forms A27G.
Identifiers: ClinVar variation 1761990 (VCV001761990.7), dbSNP rs1206505128, ClinGen allele CA369590137.
Genomic context (GRCh38, chr7:140,924,624, plus strand): 5'-ACCTCCTCCGGAATGGCAGGGTCCGCAGCCGAAGAGGCCGCGGCGCCGGCGCCGGCGCCG[G>C]CCTCGGGCTCCATGTCCCCGTTGAACAGAGCCTGGCCCGGCTCCGCGCCGCCACCACCGC-3'
Protein context (NP_004324.2, residues 17-37): ALFNGDMEPE[Ala27Gly]GAGAGAAASS